The following is an entry in ClinVar:

ClinVar aggregate classification (germline): Pathogenic (1 of 4 stars; one submission).

Conditions:
Hereditary spastic paraplegia 15 (SPG15). Also called: SPASTIC PARAPLEGIA 15, AUTOSOMAL RECESSIVE; KJELLIN SYNDROME; SPASTIC PARAPLEGIA AND RETINAL DEGENERATION. Identifiers: Orphanet 100996, MedGen C1849128, MONDO:0010044, OMIM 270700.

Submission:

Myriad Genetics, Inc.
Classification: Pathogenic for Hereditary spastic paraplegia 15. Last evaluated: 2026-07-17. Review status: criteria provided, single submitter. Criteria: Myriad Autosomal Dominant, Autosomal Recessive and X-Linked Classification Criteria (2023). Collection method: clinical testing. Allele origin: unknown.
Comment: NM_015346.3(ZFYVE26):c.6206G>A(W2069*) is expected to be pathogenic in the context of spastic paraplegia type 15. This variant is predicted to lead to an abnormal or absent protein product due to the creation of a premature termination codon in ZFYVE26, a gene where loss-of-function variants are known to be pathogenic. Please note: this variant was assessed in the context of healthy population screening.

NM_015346.4(ZFYVE26):c.6206G>A (p.Trp2069Ter)

Gene: ZFYVE26 (zinc finger FYVE-type containing 26; minus strand). Cytogenetic location: 14q24.1.
Variant type: single nucleotide variant.
Coding change: c.6206G>A on transcript NM_015346.4 (MANE Select); coding-DNA position 6206, G replaced by A.
Protein change: p.Trp2069Ter; replaces tryptophan 2069 with a stop codon.
Molecular consequence: nonsense.
Genome position (GRCh38, 1-based): chr14:67,762,366, C>T on the plus strand (G>A on the coding strand, the complement: ZFYVE26 is on the minus strand). VCF-style: chr14-67762366-C-T. GRCh37 (hg19) VCF-style: chr14-68229083-C-T.
Other names: short protein forms W2069*.
Identifiers: ClinVar variation 5016138 (VCV005016138.1).